The following is an entry in ClinVar:

ClinVar aggregate classification (germline): Uncertain significance (1 of 4 stars; one submission).

Conditions:
Peroxisome biogenesis disorder 2B (PBD2B). Identifiers: Orphanet 44, MedGen C3550234, MONDO:0008736, OMIM 202370.

Allele frequency attached by ClinVar (database versions not stated): gnomAD exomes below 0.00001; ExAC 0.00002; gnomAD 0.00003.

Submission:

Labcorp Genetics (formerly Invitae), Labcorp
Classification: Uncertain significance for Peroxisome biogenesis disorder 2B. Last evaluated: 2022-08-29. Review status: criteria provided, single submitter. Criteria: Invitae Variant Classification Sherloc (09022015). Collection method: clinical testing. Allele origin: germline.
Comment: This sequence change replaces glutamine, which is neutral and polar, with histidine, which is basic and polar, at codon 364 of the PEX5 protein (p.Gln364His). This variant is present in population databases (rs761589142, gnomAD 0.003%). This variant has not been reported in the literature in individuals affected with PEX5-related conditions. Algorithms developed to predict the effect of missense changes on protein structure and function output the following: SIFT: "Tolerated"; PolyPhen-2: "Benign"; Align-GVGD: "Class C0". The histidine amino acid residue is found in multiple mammalian species, which suggests that this missense change does not adversely affect protein function. In summary, the available evidence is currently insufficient to determine the role of this variant in disease. Therefore, it has been classified as a Variant of Uncertain Significance.

NM_001351132.2(PEX5):c.1092G>C (p.Gln364His)

Gene: PEX5 (peroxisomal biogenesis factor 5; plus strand). Cytogenetic location: 12p13.31.
Variant type: single nucleotide variant.
Coding change: c.1092G>C on transcript NM_001351132.2 (MANE Select); coding-DNA position 1092, G replaced by C.
Protein change: p.Gln364His; replaces glutamine 364 with histidine.
Molecular consequence: missense variant.
Genome position (GRCh38, 1-based): chr12:7,207,784, G>C. VCF-style: chr12-7207784-G-C. GRCh37 (hg19) VCF-style: chr12-7360380-G-C.
Other names: c.1068G>C, p.Gln356His (NM_000319.5); c.1137G>C, p.Gln379His (NM_001131023.2); c.981G>C, p.Gln327His (NM_001131024.2, NM_001351124.3, NM_001351126.2 and 7 more transcripts); c.1092G>C, p.Gln364His (NM_001131025.2, NM_001131026.2, NM_001300789.3 and 4 more transcripts); c.1026G>C, p.Gln342His (NM_001351135.3, NM_001351138.2); c.1083G>C, p.Gln361His (NM_001351136.2); c.957G>C, p.Gln319His (NM_001351139.2, NM_001351140.2, NM_001374649.2); short protein forms Q319H, Q327H, Q342H, Q356H, Q379H, Q361H, Q364H.
Identifiers: ClinVar variation 1982069 (VCV001982069.1), dbSNP rs761589142, ClinGen allele CA6426354.